The following is an entry in ClinVar:

ClinVar aggregate classification (germline): Uncertain significance (1 of 4 stars; one submission).

Conditions:
Thyroid dyshormonogenesis 6 (TDH6). Also called: HYPOTHYROIDISM, CONGENITAL, DUE TO DYSHORMONOGENESIS, 6; THYROID HORMONOGENESIS, GENETIC DEFECT IN, 6; Genetic transient congenital hypothyroidism. Identifiers: Orphanet 226316, Orphanet 95716, MedGen C1846632, MONDO:0011792, OMIM 607200.

Submission:

Juno Genomics, Hangzhou Juno Genomics, Inc
Classification: Uncertain significance for Thyroid dyshormonogenesis 6. Review status: criteria provided, single submitter. Criteria: ACMG Guidelines, 2015. Collection method: clinical testing. Allele origin: germline.
Comment: Absent from controls (or at extremely low frequency if recessive) in Genome Aggregation Database.;Null variant in a gene where loss of function (LOF) is a known mechanism of disease.

NM_001363711.2(DUOX2):c.3185-1G>A

Gene: DUOX2 (dual oxidase 2; minus strand). Cytogenetic location: 15q21.1.
Variant type: single nucleotide variant.
Coding change: c.3185-1G>A on transcript NM_001363711.2 (MANE Select); the canonical splice acceptor site of the intron before coding-DNA position 3185, G replaced by A.
Molecular consequence: splice acceptor variant.
Genome position (GRCh38, 1-based): chr15:45,099,893, C>T on the plus strand (G>A on the coding strand, the complement: DUOX2 is on the minus strand). VCF-style: chr15-45099893-C-T. GRCh37 (hg19) VCF-style: chr15-45392091-C-T.
Other names: c.3185-1G>A (NM_014080.5).
Identifiers: ClinVar variation 5018852 (VCV005018852.2).